The following is an entry in ClinVar:

ClinVar aggregate classification (germline): Pathogenic/Likely pathogenic. Review status: criteria provided, multiple submitters, no conflicts (2 of 4 stars). 2 submissions from 2 submitters: Pathogenic (1); Likely pathogenic (1). Last evaluated 2022-11-25.

Conditions:
Cerebral arteriopathy, autosomal dominant, with subcortical infarcts and leukoencephalopathy, type 1 (CADASIL1). Also called: Cerebral arteriopathy with subcortical infarcts and leukoencephalopathy 1; CADASIL 1; CASIL; DEMENTIA, HEREDITARY MULTIINFARCT TYPE. Identifiers: Orphanet 136, MedGen C4551768, MONDO:0000914, OMIM 125310.

gnomAD v4.1: 1 of 1,550,454 alleles (0.000064%); highest among the groups gnomAD compares: Non-Finnish European, 0.000087%; no homozygotes.

Submissions (2):

Laboratory of Inherited Metabolic Diseases, Research centre for medical genetics
Classification: Pathogenic for Cerebral arteriopathy, autosomal dominant, with subcortical infarcts and leukoencephalopathy, type 1. Last evaluated: 2022-11-25. Review status: criteria provided, single submitter. Criteria: ACMG Guidelines, 2015. Collection method: clinical testing. Allele origin: unknown. Inheritance: Autosomal dominant inheritance. Affected: yes.

Athena Diagnostics
Classification: Likely pathogenic. Last evaluated: 2022-07-05. Review status: criteria provided, single submitter. Criteria: Athena Diagnostics Criteria. Collection method: clinical testing. Allele origin: unknown.
Comment: At least one other missense variant at this codon is considered to be pathogenic or likely pathogenic, suggesting this variant may also cause disease. This variant has not been reported in large, multi-ethnic general populations. This variant alters a critical location within the protein, and is expected to severely affect function and cause disease. Greater than 90% of pathogenic variants identified in NOTCH3 involve the gain or loss of a cysteine residue within the epidermal growth factor (EGF)-like repeat domain.

NM_000435.3(NOTCH3):c.1547G>A (p.Cys516Tyr)

Gene: NOTCH3 (notch receptor 3; minus strand). Cytogenetic location: 19p13.12.
Variant type: single nucleotide variant.
Coding change: c.1547G>A on transcript NM_000435.3 (MANE Select); coding-DNA position 1547, G replaced by A.
Protein change: p.Cys516Tyr; replaces cysteine 516 with tyrosine.
Molecular consequence: missense variant.
Genome position (GRCh38, 1-based): chr19:15,187,940, C>T on the plus strand (G>A on the coding strand, the complement: NOTCH3 is on the minus strand). VCF-style: chr19-15187940-C-T. GRCh37 (hg19) VCF-style: chr19-15298751-C-T.
Other names: short protein forms C516Y.
Identifiers: ClinVar variation 994826 (VCV000994826.3), dbSNP rs2046897026, ClinGen allele CA404526446.